The following is an entry in ClinVar:

NM_001134407.3(GRIN2A):c.38C>G (p.Pro13Arg)

Gene: GRIN2A (glutamate ionotropic receptor NMDA type subunit 2A; minus strand). Cytogenetic location: 16p13.2.
Variant type: single nucleotide variant.
Coding change: c.38C>G on transcript NM_001134407.3 (MANE Select); coding-DNA position 38, C replaced by G.
Protein change: p.Pro13Arg; replaces proline 13 with arginine.
Molecular consequence: missense variant.
Genome position (GRCh38, 1-based): chr16:10,180,374, G>C on the plus strand (C>G on the coding strand, the complement: GRIN2A is on the minus strand). VCF-style: chr16-10180374-G-C. GRCh37 (hg19) VCF-style: chr16-10274231-G-C.
Other names: c.38C>G, p.Pro13Arg (NM_000833.5, NM_001134408.2); short protein forms P13R.
Identifiers: ClinVar variation 1469062 (VCV001469062.6), dbSNP rs367543131, ClinGen allele CA394715848.

ClinVar aggregate classification (germline): Uncertain significance (1 of 4 stars; one submission).

Conditions:
Landau-Kleffner syndrome (FESD). Also called: EPILEPSY, FOCAL, WITH SPEECH DISORDER AND WITH OR WITHOUT MENTAL RETARDATION; APHASIA, ACQUIRED, WITH EPILEPSY. Identifiers: Orphanet 1945, Orphanet 725, Orphanet 98818, MedGen C0282512, MONDO:0009509, OMIM 245570.

gnomAD v4.1: 1 of 1,607,868 alleles (0.000062%); highest among the groups gnomAD compares: Non-Finnish European, 0.000085%; no homozygotes.

Submission:

Labcorp Genetics (formerly Invitae), Labcorp
Classification: Uncertain significance for Landau-Kleffner syndrome. Last evaluated: 2021-11-18. Review status: criteria provided, single submitter. Criteria: Invitae Variant Classification Sherloc (09022015). Collection method: clinical testing. Allele origin: germline.
Comment: This sequence change replaces proline, which is neutral and non-polar, with arginine, which is basic and polar, at codon 13 of the GRIN2A protein (p.Pro13Arg). This variant is not present in population databases (gnomAD no frequency). This variant has not been reported in the literature in individuals affected with GRIN2A-related conditions. Advanced modeling of protein sequence and biophysical properties (such as structural, functional, and spatial information, amino acid conservation, physicochemical variation, residue mobility, and thermodynamic stability) performed at Invitae indicates that this missense variant is not expected to disrupt GRIN2A protein function. In summary, the available evidence is currently insufficient to determine the role of this variant in disease. Therefore, it has been classified as a Variant of Uncertain Significance.